The following is an entry in ClinVar:

NM_019066.5(MAGEL2):c.728dup (p.Thr244fs)

Gene: MAGEL2 (MAGE family member L2; minus strand). Cytogenetic location: 15q11.2.
Variant type: Duplication.
Coding change: c.728dup on transcript NM_019066.5 (MANE Select); coding-DNA position 728, one base duplicated (T; older notation c.728dupT).
Protein change: p.Thr244fs; shifts the reading frame from threonine 244.
Molecular consequence: frameshift variant.
Genome position (GRCh38, 1-based): chr15:23,647,015, A duplicated on the plus strand (T on the coding strand, the reverse complement: MAGEL2 is on the minus strand). VCF-style (leftmost placement, unchanged base first): chr15-23647014-C-CA. GRCh37 (hg19) VCF-style: chr15-23892161-C-CA.
Other names: short protein forms T244fs.
Identifiers: ClinVar variation 3893335 (VCV003893335.1).

ClinVar aggregate classification (germline): Likely pathogenic (1 of 4 stars; one submission).

Submission:

GeneDx
Classification: Likely pathogenic. Last evaluated: 2024-10-25. Review status: criteria provided, single submitter. Criteria: GeneDx Variant Classification Process June 2021. Collection method: clinical testing. Allele origin: germline. Affected: yes.
Comment: Frameshift variant predicted to result in abnormal protein length as the last 1006 amino acids are replaced with 286 different amino acids, and other similar variants have been reported in HGMD; Not observed at significant frequency in large population cohorts (gnomAD); Has not been previously published as pathogenic or benign to our knowledge